The following is an entry in ClinVar:

ClinVar aggregate classification (germline): Uncertain significance (1 of 4 stars; one submission).

Conditions:
Townes syndrome (TBS). Also called: Townes-Brocks syndrome. Identifiers: Orphanet 857, MedGen C0265246, MeSH C536974, MONDO:0007142.

gnomAD v4.1: 6 of 1,614,028 alleles (0.00037%); highest among the groups gnomAD compares: African/African-American, 0.0053%; no homozygotes.

Submission:

Labcorp Genetics (formerly Invitae), Labcorp
Classification: Uncertain significance for Townes syndrome. Last evaluated: 2024-05-31. Review status: criteria provided, single submitter. Criteria: Invitae Variant Classification Sherloc (09022015). Collection method: clinical testing. Allele origin: germline.
Comment: This sequence change replaces isoleucine, which is neutral and non-polar, with threonine, which is neutral and polar, at codon 944 of the SALL1 protein (p.Ile944Thr). This variant is present in population databases (rs777217870, gnomAD 0.003%). This variant has not been reported in the literature in individuals affected with SALL1-related conditions. Advanced modeling of protein sequence and biophysical properties (such as structural, functional, and spatial information, amino acid conservation, physicochemical variation, residue mobility, and thermodynamic stability) performed at Invitae indicates that this missense variant is not expected to disrupt SALL1 protein function with a negative predictive value of 80%. In summary, the available evidence is currently insufficient to determine the role of this variant in disease. Therefore, it has been classified as a Variant of Uncertain Significance.

NM_002968.3(SALL1):c.2831T>C (p.Ile944Thr)

Gene: SALL1 (spalt like transcription factor 1; minus strand). Cytogenetic location: 16q12.1.
Variant type: single nucleotide variant.
Coding change: c.2831T>C on transcript NM_002968.3 (MANE Select); coding-DNA position 2831, T replaced by C.
Protein change: p.Ile944Thr; replaces isoleucine 944 with threonine.
Molecular consequence: missense variant.
Genome position (GRCh38, 1-based): chr16:51,139,391, A>G on the plus strand (T>C on the coding strand, the complement: SALL1 is on the minus strand). VCF-style: chr16-51139391-A-G. GRCh37 (hg19) VCF-style: chr16-51173302-A-G.
Other names: c.2540T>C, p.Ile847Thr (NM_001127892.2); short protein forms I847T, I944T.
Identifiers: ClinVar variation 3694383 (VCV003694383.2).